The following is an entry in ClinVar:

NM_001698.3(AUH):c.22G>C (p.Ala8Pro)

Genes: AUH (AU RNA binding methylglutaconyl-CoA hydratase; minus strand), LOC130002059 (ATAC-STARR-seq lymphoblastoid silent region 20025; plus strand). Cytogenetic location: 9q22.31.
Variant type: single nucleotide variant.
Coding change: c.22G>C on transcript NM_001698.3 (MANE Select); coding-DNA position 22, G replaced by C.
Protein change: p.Ala8Pro; replaces alanine 8 with proline.
Molecular consequence: missense variant. On other transcripts: 5 prime UTR variant (3).
Genome position (GRCh38, 1-based): chr9:91,361,868, C>G on the plus strand (G>C on the coding strand, the complement: AUH is on the minus strand). VCF-style: chr9-91361868-C-G. GRCh37 (hg19) VCF-style: chr9-94124150-C-G.
Other names: c.22G>C, p.Ala8Pro (NM_001306190.2); c.-376G>C (NM_001351431.2, NM_001351433.2); c.-468G>C (NM_001351432.2); short protein forms A8P.
Identifiers: ClinVar variation 5008592 (VCV005008592.1).

ClinVar aggregate classification (germline): Uncertain significance (1 of 4 stars; one submission).

Submission:

GeneDx
Classification: Uncertain significance. Last evaluated: 2026-03-04. Review status: criteria provided, single submitter. Criteria: GeneDx Variant Classification Process June 2021. Collection method: clinical testing. Allele origin: germline.
Comment: Not observed at significant frequency in large population cohorts (gnomAD); In silico analysis suggests that this missense variant does not alter protein structure/function; Has not been previously published as pathogenic or benign to our knowledge